The following is an entry in ClinVar:

NM_013391.3(DMGDH):c.1518-16A>C

Gene: DMGDH (dimethylglycine dehydrogenase; minus strand). Cytogenetic location: 5q14.1.
Variant type: single nucleotide variant.
Coding change: c.1518-16A>C on transcript NM_013391.3 (MANE Select); 16 bases into the intron before coding-DNA position 1518, A replaced by C.
Molecular consequence: intron variant.
Genome position (GRCh38, 1-based): chr5:79,031,014, T>G on the plus strand (A>C on the coding strand, the complement: DMGDH is on the minus strand). VCF-style: chr5-79031014-T-G. GRCh37 (hg19) VCF-style: chr5-78326837-T-G.
Identifiers: ClinVar variation 382072 (VCV000382072.1), dbSNP rs116060294, ClinGen allele CA3318692.
Genomic context (GRCh38, chr5:79,031,014, plus strand): 5'-TCCGAGCCCACAGGCTCAAACCAGTTTGTGCGGCGAAAACTTGGCCTGAAACACAACATT[T>G]AGTGTCATAAAACAACTCCCGTTCATTTTTCAAAAATTACAGAATACGATATTTTAATAA-3'

ClinVar aggregate classification (germline): Benign (1 of 4 stars; one submission).

Allele frequency attached by ClinVar (database versions not stated): gnomAD exomes 0.00077 and 0.00195; ExAC 0.00246; 1000 Genomes Project 0.00699; 1000 Genomes Project 30x 0.00703; gnomAD 0.00720; ESP Exome Variant Server 0.00846; TOPMed 0.00898.
gnomAD v4.1: 2,352 of 1,614,102 alleles (0.15%); highest among the groups gnomAD compares: African/African-American, 2.8%; 35 homozygotes.

Submission:

GeneDx
Classification: Benign. Last evaluated: 2016-10-13. Review status: criteria provided, single submitter. Criteria: GeneDx Variant Classification (06012015). Collection method: clinical testing. Allele origin: germline. Affected: yes.
Comment: This variant is considered likely benign or benign based on one or more of the following criteria: it is a conservative change, it occurs at a poorly conserved position in the protein, it is predicted to be benign by multiple in silico algorithms, and/or has population frequency not consistent with disease.